The following is an entry in ClinVar:

NM_001605.3(AARS1):c.497T>G (p.Ile166Ser)

Gene: AARS1 (alanyl-tRNA synthetase 1; minus strand). Cytogenetic location: 16q22.1.
Variant type: single nucleotide variant.
Coding change: c.497T>G on transcript NM_001605.3 (MANE Select); coding-DNA position 497, T replaced by G.
Protein change: p.Ile166Ser; replaces isoleucine 166 with serine.
Molecular consequence: missense variant.
Genome position (GRCh38, 1-based): chr16:70,271,955, A>C on the plus strand (T>G on the coding strand, the complement: AARS1 is on the minus strand). VCF-style: chr16-70271955-A-C. GRCh37 (hg19) VCF-style: chr16-70305858-A-C.
Other names: p.Ile166Ser; short protein forms I166S.
Identifiers: ClinVar variation 157537 (VCV000157537.26), dbSNP rs199997425, ClinGen allele CA270958.
Genomic context (GRCh38, chr16:70,271,955, plus strand): 5'-GGACCACAGGGGCCCGTGTCACCCATCTCCCAGAAGTTATCCTTCATGTTGCCTGGGAGG[A>C]TTTTGGTGTCATCCAGCCTGACAAAGGAGTAAAGATAAGTCCAGTTACAGCCCCTGACAA-3'
Protein context (NP_001596.2, residues 156-176): WQNLGLDDTK[Ile166Ser]LPGNMKDNFW

ClinVar aggregate classification (germline): Uncertain significance. Review status: criteria provided, multiple submitters, no conflicts (2 of 4 stars). 8 submissions from 8 submitters: Uncertain significance (7). 1 of the submissions does not count toward it. Last evaluated 2025-09-27.

Conditions:
Charcot-Marie-Tooth disease. Also called: Charcot-Marie-Tooth Neuropathy; Charcot-Marie-Tooth Hereditary Neuropathy. Identifiers: Orphanet 166, MedGen C0007959, MONDO:0015626.
Inborn genetic diseases. Identifiers: MedGen C0950123, MeSH D030342.
Charcot-Marie-Tooth disease type 2. Also called: Charcot-Marie-Tooth type 2. Identifiers: Orphanet 64746, MedGen C0270914, MONDO:0018993.

Allele frequency attached by ClinVar (database versions not stated): gnomAD 0.00010; TOPMed 0.00011; gnomAD exomes 0.00014 and 0.00018; ESP Exome Variant Server 0.00015; ExAC 0.00018.
gnomAD v4.1: 214 of 1,613,838 alleles (0.013%); highest among the groups gnomAD compares: Non-Finnish European, 0.017%; no homozygotes.

Submissions (8):

Labcorp Genetics (formerly Invitae), Labcorp
Classification: Uncertain significance for Charcot-Marie-Tooth disease type 2. Last evaluated: 2025-09-27. Review status: criteria provided, single submitter. Criteria: Invitae Variant Classification Sherloc (09022015). Collection method: clinical testing. Allele origin: germline.
Comment: This sequence change replaces isoleucine, which is neutral and non-polar, with serine, which is neutral and polar, at codon 166 of the AARS protein (p.Ile166Ser). This variant is present in population databases (rs199997425, gnomAD 0.03%). This missense change has been observed in individual(s) with Charcot-Marie-Tooth disease (PMID: 25025039). ClinVar contains an entry for this variant (Variation ID: 157537). Invitae Evidence Modeling of protein sequence and biophysical properties (such as structural, functional, and spatial information, amino acid conservation, physicochemical variation, residue mobility, and thermodynamic stability) has been performed for this missense variant. However, the output from this modeling did not meet the statistical confidence thresholds required to predict the impact of this variant on AARS protein function. In summary, the available evidence is currently insufficient to determine the role of this variant in disease. Therefore, it has been classified as a Variant of Uncertain Significance.

Mayo Clinic Laboratories, Mayo Clinic
Classification: Uncertain significance. Last evaluated: 2024-06-06. Review status: criteria provided, single submitter. Criteria: ACMG Guidelines, 2015. Collection method: clinical testing. Allele origin: germline. Observed: 1 variant allele.
Comment: PP3

Blueprint Genetics
Classification: Uncertain significance. Last evaluated: 2023-03-09. Review status: criteria provided, single submitter. Criteria: ACMG Guidelines, 2015. Collection method: clinical testing. Allele origin: germline.

Revvity Omics, Revvity
Classification: Uncertain significance. Last evaluated: 2022-07-29. Review status: criteria provided, single submitter. Criteria: ACMG Guidelines, 2015. Collection method: clinical testing. Allele origin: germline.

Ambry Genetics
Classification: Uncertain significance for Inborn genetic diseases. Last evaluated: 2022-06-01. Review status: criteria provided, single submitter. Criteria: Ambry Variant Classification Scheme 2023. Collection method: clinical testing. Allele origin: germline.
Comment: The p.I166S variant (also known as c.497T>G), located in coding exon 4 of the AARS gene, results from a T to G substitution at nucleotide position 497. The isoleucine at codon 166 is replaced by serine, an amino acid with dissimilar properties. This alteration was detected in an individual with Charcot-Marie-Tooth disease type 1, who also had a homozygous nonsense variant in SH3TC2 which was thought to be causative of disease (H&oslash;yer H et al. Biomed Res Int, 2014 Jul;2014:210401). This amino acid position is highly conserved in available vertebrate species. In addition, this alteration is predicted to be deleterious by in silico analysis. Based on the supporting evidence, this variant is unlikely to be causative of Charcot-Marie-Tooth disease, axonal, type 2N (CMT2N); however, its contribution to the development of AARS-related early infantile epileptic encephalopathy (EIEE) is uncertain.

GeneDx
Classification: Uncertain significance. Last evaluated: 2021-06-18. Review status: criteria provided, single submitter. Criteria: GeneDx Variant Classification Process June 2021. Collection method: clinical testing. Allele origin: germline. Affected: yes.
Comment: Observed in multiple individuals referred for genetic testing at GeneDx and in published literature (Hoyer et al., 2014) who had a different genetic etiology for the phenotype; In silico analysis, which includes protein predictors and evolutionary conservation, supports a deleterious effect; This variant is associated with the following publications: (PMID: 27535533, 25025039)

ARUP Laboratories, Molecular Genetics and Genomics, ARUP Laboratories
Classification: Uncertain significance. Last evaluated: 2019-08-16. Review status: criteria provided, single submitter. Criteria: ARUP Molecular Germline Variant Investigation Process. Collection method: clinical testing. Allele origin: germline.
Comment: The AARS c.497T>G; p.Ile166Ser variant (rs199997425) is reported in the literature in an individual affected with Charcot-Marie-Tooth disease type 1; however, this individual also carried a homozygous pathogenic variant in a different gene that likely explained their disease (Hoyer 2014). The p.Ile166Ser variant is found in the non-Finnish European population with an overall allele frequency of 0.03% (43/128858 alleles) in the Genome Aggregation Database. The isoleucine at codon 166 is highly conserved, and computational analyses (SIFT, PolyPhen-2) predict that this variant is deleterious. However, given the lack of clinical and functional data, the significance of the p.Ile166Ser variant is uncertain at this time. References: Hoyer H et al. Genetic diagnosis of Charcot-Marie-Tooth disease in a population by next-generation sequencing. Biomed Res Int. 2014;2014:210401.

Dept. of Medical Genetics, Telemark Hospital Trust, Telemark Hospital Trust
Classification: Uncertain significance for Charcot-Marie-Tooth disease. Last evaluated: 2013-11-01. Review status: no assertion criteria provided. Collection method: research. Allele origin: unknown. Affected: yes. Study: Charcot-Marie-Tooth disease study. Not counted in ClinVar's aggregate classification.
Comment: Populational based study of Charcot-Marie-Tooth disease in Norway

Literature cited by the submitters: PubMed 25025039 (cited by 3 submitters); PMC 4306395 (cited by Dept. of Medical Genetics, Telemark Hospital Trust, Telemark Hospital Trust).